The following is an entry in ClinVar:

ClinVar aggregate classification (germline): Uncertain significance. Review status: criteria provided, multiple submitters, no conflicts (2 of 4 stars). 2 submissions from 2 submitters: Uncertain significance (2). Last evaluated 2025-08-25.

Conditions:
Inborn genetic diseases. Identifiers: MedGen C0950123, MeSH D030342.

gnomAD v4.1: 1 of 1,206,248 alleles (0.000083%); highest among the groups gnomAD compares: Admixed American, 0.0022%; no homozygotes.

Submissions (2):

Ambry Genetics
Classification: Uncertain significance for Inborn genetic diseases. Last evaluated: 2025-08-25. Review status: criteria provided, single submitter. Criteria: Ambry Variant Classification Scheme 2023. Collection method: clinical testing. Allele origin: germline.

Labcorp Genetics (formerly Invitae), Labcorp
Classification: Uncertain significance. Last evaluated: 2025-07-13. Review status: criteria provided, single submitter. Criteria: Invitae Variant Classification Sherloc (09022015). Collection method: clinical testing. Allele origin: germline.
Comment: This sequence change replaces proline, which is neutral and non-polar, with serine, which is neutral and polar, at codon 1796 of the CACNA1F protein (p.Pro1796Ser). The frequency data for this variant in the population databases is considered unreliable, as metrics indicate poor data quality at this position in the gnomAD database. This variant has not been reported in the literature in individuals affected with CACNA1F-related conditions. ClinVar contains an entry for this variant (Variation ID: 3631584). An algorithm developed to predict the effect of missense changes on protein structure and function (PolyPhen-2) suggests that this variant is likely to be tolerated. In summary, the available evidence is currently insufficient to determine the role of this variant in disease. Therefore, it has been classified as a Variant of Uncertain Significance.

NM_001256789.3(CACNA1F):c.5353C>T (p.Pro1785Ser)

Gene: CACNA1F (calcium voltage-gated channel subunit alpha1 F; minus strand). Cytogenetic location: Xp11.23.
Variant type: single nucleotide variant.
Coding change: c.5353C>T on transcript NM_001256789.3 (MANE Select); coding-DNA position 5353, C replaced by T.
Protein change: p.Pro1785Ser; replaces proline 1785 with serine.
Molecular consequence: missense variant.
Genome position (GRCh38, 1-based): chrX:49,206,734, G>A on the plus strand (C>T on the coding strand, the complement: CACNA1F is on the minus strand). VCF-style: chrX-49206734-G-A. GRCh37 (hg19) VCF-style: chrX-49063195-G-A.
Other names: c.5386C>T (NM_005183.2); c.5191C>T, p.Pro1731Ser (NM_001256790.3); c.5386C>T, p.Pro1796Ser (NM_005183.4); short protein forms P1785S, P1731S, P1796S.
Identifiers: ClinVar variation 3631584 (VCV003631584.3).